The following is an entry in ClinVar:

NM_000059.4(BRCA2):c.3949A>T (p.Thr1317Ser)

Gene: BRCA2 (BRCA2 DNA repair associated; plus strand). Cytogenetic location: 13q13.1.
Variant type: single nucleotide variant.
Coding change: c.3949A>T on transcript NM_000059.4 (MANE Select); coding-DNA position 3949, A replaced by T.
Protein change: p.Thr1317Ser; replaces threonine 1317 with serine.
Molecular consequence: missense variant.
Genome position (GRCh38, 1-based): chr13:32,338,304, A>T. VCF-style: chr13-32338304-A-T. GRCh37 (hg19) VCF-style: chr13-32912441-A-T.
Other names: 4177A>T; short protein forms T1317S.
Identifiers: ClinVar variation 91810 (VCV000091810.23), dbSNP rs398122773, ClinGen allele CA019259.
Genomic context (GRCh38, chr13:32,338,304, plus strand): 5'-AATATTGAAATGACTACTGGCACTTTTGTTGAAGAAATTACTGAAAATTACAAGAGAAAT[A>T]CTGAAAATGAAGATAACAAATATACTGCTGCCAGTAGAAATTCTCATAACTTAGAATTTG-3'
Protein context (NP_000050.3, residues 1307-1327): EEITENYKRN[Thr1317Ser]ENEDNKYTAA

ClinVar aggregate classification (germline): Conflicting classifications of pathogenicity. Review status: criteria provided, conflicting classifications (1 of 4 stars). 10 submissions from 10 submitters: Uncertain significance (5); Likely benign (3). 2 of the submissions do not count toward it. Last evaluated 2025-12-30.

Conditions:
Hereditary cancer-predisposing syndrome. Also called: Tumor predisposition; Hereditary Cancer Syndrome; Neoplastic Syndromes, Hereditary; Hereditary neoplastic syndrome. Identifiers: Orphanet 140162, MedGen C0027672, MeSH D009386, MONDO:0015356.
Malignant tumor of breast. Also called: Malignant breast neoplasm; Cancer breast. Identifiers: MedGen C0006142, MONDO:0007254. Disease mechanism: loss of function.
Hereditary breast ovarian cancer syndrome. Also called: Breast and ovarian cancer; Hereditary breast and ovarian cancer; Hereditary breast and ovarian cancer syndrome; BRCA1- and BRCA2-Associated Hereditary Breast and Ovarian Cancer; Hereditary breast and ovarian cancer syndrome (HBOC); Hereditary breast and/or ovarian cancer syndrome. Identifiers: Orphanet 145, MedGen C0677776, MeSH D061325, MONDO:0003582. Disease mechanism: loss of function.
Inherited breast cancer and ovarian cancer.
Breast-ovarian cancer, familial, susceptibility to, 2 (BROVCA2). Also called: BRCA2 Hereditary Breast and Ovarian Cancer. Identifiers: Orphanet 145, MedGen C2675520, MONDO:0012933, OMIM 612555. Disease mechanism: loss of function.

Allele frequency attached by ClinVar (database versions not stated): gnomAD exomes below 0.00001.
gnomAD v4.1: 2 of 1,583,062 alleles (0.00013%); highest among the groups gnomAD compares: Non-Finnish European, 0.00017%; no homozygotes.

Submissions (10):

Cambridge Genomics Laboratory, East Genomic Laboratory Hub, NHS Genomic Medicine Service
Classification: Likely benign for Inherited breast cancer and ovarian cancer. Last evaluated: 2025-12-30. Review status: criteria provided, single submitter. Criteria: ACGS Best Practice Guidelines for Variant Classification in Rare Disease 2020. Collection method: clinical testing. Allele origin: germline. Affected: yes.
Comment: PM2_Supporting,BP1,BP4

Labcorp Genetics (formerly Invitae), Labcorp
Classification: Uncertain significance for Hereditary breast ovarian cancer syndrome. Last evaluated: 2025-10-23. Review status: criteria provided, single submitter. Criteria: Invitae Variant Classification Sherloc (09022015). Collection method: clinical testing. Allele origin: germline.
Comment: This sequence change replaces threonine, which is neutral and polar, with serine, which is neutral and polar, at codon 1317 of the BRCA2 protein (p.Thr1317Ser). This variant is not present in population databases (gnomAD no frequency). This missense change has been observed in individual(s) with personal and/or family history of breast cancer (PMID: 21120943). ClinVar contains an entry for this variant (Variation ID: 91810). Invitae Evidence Modeling of protein sequence and biophysical properties (such as structural, functional, and spatial information, amino acid conservation, physicochemical variation, residue mobility, and thermodynamic stability) indicates that this missense variant is not expected to disrupt BRCA2 protein function with a negative predictive value of 95%. In summary, the available evidence is currently insufficient to determine the role of this variant in disease. Therefore, it has been classified as a Variant of Uncertain Significance.

Color Diagnostics, LLC DBA Color Health
Classification: Uncertain significance for Hereditary cancer-predisposing syndrome. Last evaluated: 2025-02-24. Review status: criteria provided, single submitter. Criteria: ACMG Guidelines, 2015. Collection method: clinical testing. Allele origin: germline.
Comment: This missense variant replaces threonine with serine at codon 1317 of the BRCA2 protein. Computational prediction suggests that this variant may not impact protein structure and function. To our knowledge, functional studies have not been reported for this variant. This variant has been reported in individuals with a personal or family history of breast and/or ovarian cancer (PMID: 21120943, 33471991; Leiden Open Variation Database DB-ID BRCA2_002873). A multifactorial analysis has reported a likelihood ratio for pathogenicity based on personal and family history of 0.586 from log(LR)=-0.232029349 for one carrier (PMID: 31853058). This variant has not been identified in the general population by the Genome Aggregation Database (gnomAD). The available evidence is insufficient to determine the role of this variant in disease conclusively. Therefore, this variant is classified as a Variant of Uncertain Significance.

Ambry Genetics
Classification: Likely benign for Hereditary cancer-predisposing syndrome. Last evaluated: 2024-06-03. Review status: criteria provided, single submitter. Criteria: Ambry Variant Classification Scheme 2023. Collection method: clinical testing. Allele origin: germline.

ARUP Laboratories, Molecular Genetics and Genomics, ARUP Laboratories
Classification: Uncertain significance. Last evaluated: 2023-11-29. Review status: criteria provided, single submitter. Criteria: ARUP Molecular Germline Variant Investigation Process 2024. Collection method: clinical testing. Allele origin: germline.
Comment: The BRCA2 c.3949A>T; p.Thr1317Ser variant (rs398122773) is reported in the literature in two individuals with a personal or family history of breast and/or ovarian cancer (Caux-Moncoutier 2011). This variant is reported in ClinVar (Variation ID: 91810) and is absent from the Genome Aggregation Database (v2.1.1), indicating it is not a common polymorphism. Computational analyses are uncertain whether this variant is neutral or deleterious (REVEL: 0.206). Due to limited information, the clinical significance of this variant is uncertain at this time. References: Caux-Moncoutier V et al. EMMA, a cost- and time-effective diagnostic method for simultaneous detection of point mutations and large-scale genomic rearrangements: application to BRCA1 and BRCA2 in 1,525 patients. Hum Mutat. 2011 Mar;32(3):325-34. PMID: 21120943.

All of Us Research Program, National Institutes of Health
Classification: Uncertain significance for Breast-ovarian cancer, familial, susceptibility to, 2. Last evaluated: 2023-08-28. Review status: criteria provided, single submitter. Criteria: ACMG Guidelines, 2015. Collection method: clinical testing. Allele origin: germline. Inheritance: Autosomal dominant inheritance. Observed: 1 variant allele, 1 heterozygote.
Comment: This missense variant replaces threonine with serine at codon 1317 of the BRCA2 protein. Computational prediction suggests that this variant may not impact protein structure and function (internally defined REVEL score threshold <= 0.5, PMID: 27666373). To our knowledge, functional studies have not been reported for this variant. This variant has been reported in individuals with a personal or family history of breast and/or ovarian cancer (PMID: 21120943, 33471991; Leiden Open Variation Database DB-ID BRCA2_002873). This variant has not been identified in the general population by the Genome Aggregation Database (gnomAD). The available evidence is insufficient to determine the role of this variant in disease conclusively. Therefore, this variant is classified as a Variant of Uncertain Significance.

This study involves interpretation of variants in research participants for the purpose of population health screening. Participant phenotype was not available at the time of variant classification. Additional details can be found in publication PMID: 35346344, PMCID: PMC8962531

University of Washington Department of Laboratory Medicine, University of Washington
Classification: Likely benign for Hereditary cancer-predisposing syndrome. Last evaluated: 2023-03-23. Review status: criteria provided, single submitter. Criteria: Dines et al. (Genet Med. 2020). Collection method: curation. Allele origin: germline.
Comment: Missense variant in a coldspot region where missense variants are very unlikely to be pathogenic (PMID:31911673).

BRCA2 exon 11 coldspot. Reclassification based on statistical prior probability.

Women's Health and Genetics/Laboratory Corporation of America, LabCorp
Classification: Uncertain significance. Last evaluated: 2021-12-31. Review status: criteria provided, single submitter. Criteria: LabCorp Variant Classification Summary - May 2015. Collection method: clinical testing. Allele origin: germline.
Comment: Variant summary: BRCA2 c.3949A>T (p.Thr1317Ser) results in a conservative amino acid change in the encoded protein sequence. Five of five in-silico tools predict a benign effect of the variant on protein function. The variant was absent in 224038 control chromosomes. The available data on variant occurrences in the general population are insufficient to allow any conclusion about variant significance. c.3949A>T has been reported in the literature as an unknown variant in settings of BRCA1/BRCA2 testing in a cohort of individuals affected with or a family history of breast cancer (example, Caux-Moncoutier_2011). These report(s) do not provide unequivocal conclusions about association of the variant with Hereditary Breast And Ovarian Cancer Syndrome. To our knowledge, no experimental evidence demonstrating an impact on protein function has been reported. Two clinical diagnostic laboratories have submitted clinical-significance assessments for this variant to ClinVar after 2014 without evidence for independent evaluation. All laboratories classified the variant as uncertain significance. Based on the evidence outlined above, the variant was classified as uncertain significance.

Sharing Clinical Reports Project (SCRP)
Classification: Uncertain significance for Breast-ovarian cancer, familial 2. Last evaluated: 2008-05-07. Review status: no assertion criteria provided. Collection method: clinical testing. Allele origin: germline. Not counted in ClinVar's aggregate classification.

Department of Pathology and Laboratory Medicine, Sinai Health System
Classification: Likely benign for Malignant tumor of breast. Review status: no assertion criteria provided. Collection method: clinical testing. Allele origin: unknown. Affected: yes. Study: The Canadian Open Genetics Repository (COGR). Not counted in ClinVar's aggregate classification.
Comment: The p.Thr1317Ser variant was identified in 2 of 3050 proband chromosomes (frequency: 0.001) from individuals or families with Breast and Ovarian cancers (Caux-Moncoutier, 2011); however, control chromosomes were not evaluated in these studies, thus the prevalence of this variant in the general population could not be determined. The variant was also identified in dbSNP (ID: rs62636281) â€šÃ„ÃºWith untested alleleâ€šÃ„Ã¹, IARC, ClinVar database, and UMD (6X as a class 3-UV variant). The variant was classified as an uncertain variant by the Sharing Clinical Reports Project (SCRP) (submitted within the ClinVar database and derived from Myriad reports). In UMD the variant was identified with a co-occurring â€šÃ„Ãºpathogenicâ€šÃ„Ã¹ BRCA1 variant (c.IVS5-15A>G (c.213-15A>G)), increasing the likelihood that the p.Thr1317Ser variant does not have clinical significance. Computational analyses (PolyPhen-2, SIFT, AlignGVGD, BLOSUM, MutationTaster) do not suggest a high likelihood of impact to the protein. In addition, in silico or computational prediction software programs (SpliceSiteFinder, MaxEntScan, NNSPLICE, GeneSplicer, HumanSpliceFinder) do not predict a difference in splicing. In summary, based on the above information, the clinical significance of this variant cannot be determined with certainty at this time although we would lean towards a more benign role for this variant. This variant is classified as predicted benign.

Literature cited by the submitters: PubMed 21120943 (cited by 5 submitters); PubMed 31853058 (cited by Color Diagnostics, LLC DBA Color Health); PubMed 33471991 (cited by 3 submitters).